The following is an entry in ClinVar:

NM_000293.3(PHKB):c.2818G>A (p.Gly940Arg)

Gene: PHKB (phosphorylase kinase regulatory subunit beta; plus strand). Cytogenetic location: 16q12.1.
Variant type: single nucleotide variant.
Coding change: c.2818G>A on transcript NM_000293.3 (MANE Select); coding-DNA position 2818, G replaced by A.
Protein change: p.Gly940Arg; replaces glycine 940 with arginine.
Molecular consequence: missense variant.
Genome position (GRCh38, 1-based): chr16:47,693,430, G>A. VCF-style: chr16-47693430-G-A. GRCh37 (hg19) VCF-style: chr16-47727341-G-A.
Other names: p.Gly940Arg; c.2797G>A, p.Gly933Arg (NM_001031835.3); c.2818G>A, p.Gly940Arg (NM_001363837.1); c.2818G>A (NM_000293.2); short protein forms G933R, G940R.
Identifiers: ClinVar variation 1513113 (VCV001513113.5), dbSNP rs929325638, ClinGen allele CA280739153.
Genomic context (GRCh38, chr16:47,693,430, plus strand): 5'-TGTTACAGATGTTGGCTGAACAGGCGTCAGATCGATGGGTCTTTGAATAGAACTCCCACC[G>A]GGTTCTATGACCGAGTGTGGCAGATTCTGGAGCGCACGCCCAATGGGATCATTGTTGCTG-3'
Protein context (NP_000284.1, residues 930-950): IDGSLNRTPT[Gly940Arg]FYDRVWQILE

ClinVar aggregate classification (germline): Uncertain significance. Review status: criteria provided, multiple submitters, no conflicts (2 of 4 stars). 3 submissions from 3 submitters: Uncertain significance (3). Last evaluated 2025-01-19.

Conditions:
Inborn genetic diseases. Identifiers: MedGen C0950123, MeSH D030342.
Glycogen storage disease IXb (GSD9B). Also called: GLYCOGENOSIS OF LIVER AND MUSCLE, AUTOSOMAL RECESSIVE; GSD IXb; PHOSPHORYLASE KINASE DEFICIENCY OF LIVER AND MUSCLE, AUTOSOMAL RECESSIVE. Identifiers: Orphanet 79240, MedGen C0543514, MONDO:0009868, OMIM 261750.

Allele frequency attached by ClinVar (database versions not stated): TOPMed below 0.00001; gnomAD 0.00001.
gnomAD v4.1: 11 of 1,613,856 alleles (0.00068%); highest among the groups gnomAD compares: African/African-American, 0.0027%; no homozygotes.

Submissions (3):

Ambry Genetics
Classification: Uncertain significance for Inborn genetic diseases. Last evaluated: 2025-01-19. Review status: criteria provided, single submitter. Criteria: Ambry Variant Classification Scheme 2023. Collection method: clinical testing. Allele origin: germline.

Mayo Clinic Laboratories, Mayo Clinic
Classification: Uncertain significance. Last evaluated: 2023-04-27. Review status: criteria provided, single submitter. Criteria: ACMG Guidelines, 2015. Collection method: clinical testing. Allele origin: germline. Observed: 1 variant allele.
Comment: PM2

Labcorp Genetics (formerly Invitae), Labcorp
Classification: Uncertain significance for Glycogen storage disease IXb. Last evaluated: 2022-06-17. Review status: criteria provided, single submitter. Criteria: Invitae Variant Classification Sherloc (09022015). Collection method: clinical testing. Allele origin: germline.
Comment: This sequence change replaces glycine, which is neutral and non-polar, with arginine, which is basic and polar, at codon 940 of the PHKB protein (p.Gly940Arg). This variant is present in population databases (no rsID available, gnomAD 0.004%). This variant has not been reported in the literature in individuals affected with PHKB-related conditions. Algorithms developed to predict the effect of missense changes on protein structure and function are either unavailable or do not agree on the potential impact of this missense change (SIFT: "Tolerated"; PolyPhen-2: "Possibly Damaging"; Align-GVGD: "Class C0"). Algorithms developed to predict the effect of sequence changes on RNA splicing suggest that this variant may create or strengthen a splice site. In summary, the available evidence is currently insufficient to determine the role of this variant in disease. Therefore, it has been classified as a Variant of Uncertain Significance.